The following is an entry in ClinVar:

NM_000326.5(RLBP1):c.105C>T (p.Gly35=)

Gene: RLBP1 (retinaldehyde binding protein 1; minus strand). Cytogenetic location: 15q26.1.
Variant type: single nucleotide variant.
Coding change: c.105C>T on transcript NM_000326.5 (MANE Select); coding-DNA position 105, C replaced by T.
Protein change: p.Gly35=; no amino-acid change (glycine 35 retained).
Molecular consequence: synonymous variant.
Genome position (GRCh38, 1-based): chr15:89,218,601, G>A on the plus strand (C>T on the coding strand, the complement: RLBP1 is on the minus strand). VCF-style: chr15-89218601-G-A. GRCh37 (hg19) VCF-style: chr15-89761832-G-A.
Identifiers: ClinVar variation 885500 (VCV000885500.13), dbSNP rs373881009, ClinGen allele CA7722395.
Genomic context (GRCh38, chr15:89,218,601, plus strand): 5'-TCTCCGCACTGTCAGCCACCTCACCTTCTGCAAGGTGTGGCGGGGCAGCTGGCTGCACGG[G>A]CCAAAGACAGGTCCATGGTCCTTGGTTGTGAGCTGCTCCAGTTGGGCACGGAGCTCCTGT-3'
Protein context (NP_000317.1, residues 25-45): LTTKDHGPVF[Gly35=]PCSQLPRHTL

ClinVar aggregate classification (germline): Conflicting classifications of pathogenicity. Review status: criteria provided, conflicting classifications (1 of 4 stars). 5 submissions from 3 submitters: Uncertain significance (1); Benign (1); Likely benign (3). Last evaluated 2026-01-20.

Conditions:
Retinitis pigmentosa (RP). Identifiers: Orphanet 791, MedGen C0035334, MeSH D012174, MONDO:0019200, OMIM 268000. Inheritance: Autosomal dominant, autosomal recessive and X linked inheritance.
Pigmentary retinal dystrophy. Also called: Fundus albipunctatus. Identifiers: Orphanet 227796, Orphanet 52427, MedGen C0311338, MONDO:0007639, OMIM 136880, HP:0030642.
Newfoundland cone-rod dystrophy. Identifiers: MedGen C1843815, MONDO:0011839, OMIM 607476.

Allele frequency attached by ClinVar (database versions not stated): gnomAD below 0.00001 and 0.00013; TOPMed 0.00003; gnomAD exomes 0.00024 and 0.00056; ExAC 0.00061; 1000 Genomes Project 30x 0.00109; 1000 Genomes Project 0.00140.

Submissions (5):

Labcorp Genetics (formerly Invitae), Labcorp
Classification: Benign. Last evaluated: 2026-01-20. Review status: criteria provided, single submitter. Criteria: Invitae Variant Classification Sherloc (09022015). Collection method: clinical testing. Allele origin: germline.

Blueprint Genetics
Classification: Likely benign. Last evaluated: 2024-06-05. Review status: criteria provided, single submitter. Criteria: ACMG Guidelines, 2015. Collection method: clinical testing. Allele origin: germline.

Illumina Laboratory Services, Illumina
Classification: Likely benign for Newfoundland cone-rod dystrophy. Last evaluated: 2018-01-12. Review status: criteria provided, single submitter. Criteria: ICSL Variant Classification Criteria 13 December 2019. Collection method: clinical testing. Allele origin: germline.
Comment: This variant was observed in the ICSL laboratory as part of a predisposition screen in an ostensibly healthy population. It had not been previously curated by ICSL or reported in the Human Gene Mutation Database (HGMD: prior to June 1st, 2018), and was therefore a candidate for classification through an automated scoring system. Utilizing variant allele frequency, disease prevalence and penetrance estimates, and inheritance mode, an automated score was calculated to assess if this variant is too frequent to cause the disease. Based on the score and internal cut-off values, a variant classified as likely benign is not then subjected to further curation. The score for this variant resulted in a classification of likely benign for this disease.

Illumina Laboratory Services, Illumina
Classification: Likely benign for Pigmentary retinal dystrophy. Last evaluated: 2018-01-12. Review status: criteria provided, single submitter. Criteria: ICSL Variant Classification Criteria 13 December 2019. Collection method: clinical testing. Allele origin: germline.
Comment: the same text as in the submission from Illumina Laboratory Services, Illumina above.

Illumina Laboratory Services, Illumina
Classification: Uncertain significance for Retinitis pigmentosa. Last evaluated: 2018-01-12. Review status: criteria provided, single submitter. Criteria: ICSL Variant Classification Criteria 13 December 2019. Collection method: clinical testing. Allele origin: germline.